The following is an entry in ClinVar:

ClinVar aggregate classification (germline): Likely benign (1 of 4 stars; one submission).

Conditions:
PCNT-related disorder. Also called: PCNT-related condition.

Submission:

PreventionGenetics, part of Exact Sciences
Classification: Likely benign for PCNT-related condition. Last evaluated: 2025-10-10. Review status: criteria provided, single submitter. Criteria: ACMG Guidelines, 2015. Collection method: clinical testing. Allele origin: germline.
Comment: This variant is classified as likely benign based on ACMG/AMP sequence variant interpretation guidelines (Richards et al. 2015 PMID: 25741868, with internal and published modifications).

NM_006031.6(PCNT):c.8563C>A (p.Arg2855=)

Gene: PCNT (pericentrin; plus strand). Cytogenetic location: 21q22.3.
Variant type: single nucleotide variant.
Coding change: c.8563C>A on transcript NM_006031.6 (MANE Select); coding-DNA position 8563, C replaced by A.
Protein change: p.Arg2855=; no amino-acid change (arginine 2855 retained).
Molecular consequence: synonymous variant. On other transcripts: intron variant (1).
Genome position (GRCh38, 1-based): chr21:46,432,027, C>A. VCF-style: chr21-46432027-C-A. GRCh37 (hg19) VCF-style: chr21-47851941-C-A.
Other names: c.8160+49C>A (NM_001315529.2).
Identifiers: ClinVar variation 4992637 (VCV004992637.1).